The following is an entry in ClinVar:

ClinVar aggregate classification (germline): Pathogenic. Review status: criteria provided, multiple submitters, no conflicts (2 of 4 stars). 4 submissions from 4 submitters: Pathogenic (4). Last evaluated 2026-03-06.

Conditions:
DUOX2-related disorder. Also called: DUOX2-related condition.
Thyroid dyshormonogenesis 6 (TDH6). Also called: Genetic transient congenital hypothyroidism; THYROID HORMONOGENESIS, GENETIC DEFECT IN, 6; HYPOTHYROIDISM, CONGENITAL, DUE TO DYSHORMONOGENESIS, 6. Identifiers: Orphanet 226316, Orphanet 95716, MedGen C1846632, MONDO:0011792, OMIM 607200.

Allele frequency attached by ClinVar (database versions not stated): gnomAD exomes below 0.00001; ExAC 0.00002; TOPMed 0.00002.
gnomAD v4.1: 2 of 1,614,250 alleles (0.00012%); highest among the groups gnomAD compares: East Asian, 0.0045%; no homozygotes.

Submissions (4):

PreventionGenetics, part of Exact Sciences
Classification: Pathogenic for DUOX2-related condition. Last evaluated: 2026-03-06. Review status: criteria provided, single submitter. Criteria: ACMG Guidelines, 2015. Collection method: clinical testing. Allele origin: germline.
Comment: The DUOX2 c.2202G>A variant is predicted to result in premature protein termination (p.Trp734*). This variant has been reported in the compound heterozygous state in individuals with hypothyroidism (See, for example, Wang et al. 2014. PubMed ID: 24735383). This variant is reported in 0.033% of alleles in individuals of East Asian descent in gnomAD. Nonsense variants in DUOX2 are expected to be pathogenic. This variant is interpreted as pathogenic.

Labcorp Genetics (formerly Invitae), Labcorp
Classification: Pathogenic. Last evaluated: 2024-05-29. Review status: criteria provided, single submitter. Criteria: Invitae Variant Classification Sherloc (09022015). Collection method: clinical testing. Allele origin: germline.
Comment: This sequence change creates a premature translational stop signal (p.Trp734*) in the DUOX2 gene. It is expected to result in an absent or disrupted protein product. Loss-of-function variants in DUOX2 are known to be pathogenic (PMID: 12110737, 18765513, 21565790, 24423310, 24735383). This variant is present in population databases (rs769789467, gnomAD 0.03%). This premature translational stop signal has been observed in individual(s) with DUOX2-related conditions (PMID: 24735383). For these reasons, this variant has been classified as Pathogenic.

Fulgent Genetics
Classification: Pathogenic for Thyroid dyshormonogenesis 6. Last evaluated: 2024-04-11. Review status: criteria provided, single submitter. Criteria: ACMG Guidelines, 2015. Collection method: clinical testing. Allele origin: germline.

Juno Genomics, Hangzhou Juno Genomics, Inc
Classification: Pathogenic for Thyroid dyshormonogenesis 6. Review status: criteria provided, single submitter. Criteria: ACMG Guidelines, 2015. Collection method: clinical testing. Allele origin: germline.
Comment: Absent from controls (or at extremely low frequency if recessive) in Genome Aggregation Database.;Null variant in a gene where loss of function (LOF) is a known mechanism of disease.;For recessive disorders, detected in trans with a pathogenic variant.;Patient's phenotype or family history is highly specific for a disease with a single genetic etiology.

Literature cited by the submitters: PubMed 12110737 (cited by Labcorp Genetics (formerly Invitae), Labcorp); PubMed 18765513 (cited by Labcorp Genetics (formerly Invitae), Labcorp); PubMed 21565790 (cited by Labcorp Genetics (formerly Invitae), Labcorp); PubMed 24423310 (cited by Labcorp Genetics (formerly Invitae), Labcorp); PubMed 24735383 (cited by Labcorp Genetics (formerly Invitae), Labcorp).

NM_001363711.2(DUOX2):c.2202G>A (p.Trp734Ter)

Gene: DUOX2 (dual oxidase 2; minus strand). Cytogenetic location: 15q21.1.
Variant type: single nucleotide variant.
Coding change: c.2202G>A on transcript NM_001363711.2 (MANE Select); coding-DNA position 2202, G replaced by A.
Protein change: p.Trp734Ter; replaces tryptophan 734 with a stop codon.
Molecular consequence: nonsense.
Genome position (GRCh38, 1-based): chr15:45,105,775, C>T on the plus strand (G>A on the coding strand, the complement: DUOX2 is on the minus strand). VCF-style: chr15-45105775-C-T. GRCh37 (hg19) VCF-style: chr15-45397973-C-T.
Other names: c.2202G>A, p.Trp734Ter (NM_014080.5); c.2202G>A (NM_014080.4); short protein forms W734*.
Identifiers: ClinVar variation 2736204 (VCV002736204.8), dbSNP rs769789467, ClinGen allele CA7538329.